The following is an entry in ClinVar:

NM_182641.4(BPTF):c.8750C>T (p.Ser2917Phe)

Gene: BPTF (bromodomain PHD finger transcription factor; plus strand). Cytogenetic location: 17q24.2.
Variant type: single nucleotide variant.
Coding change: c.8750C>T on transcript NM_182641.4 (MANE Select); coding-DNA position 8750, C replaced by T.
Protein change: p.Ser2917Phe; replaces serine 2917 with phenylalanine.
Molecular consequence: missense variant.
Genome position (GRCh38, 1-based): chr17:67,982,275, C>T. VCF-style: chr17-67982275-C-T. GRCh37 (hg19) VCF-style: chr17-65978391-C-T.
Other names: c.8699C>T, p.Ser2900Phe (NM_004459.7); short protein forms S2900F, S2917F.
Identifiers: ClinVar variation 2442590 (VCV002442590.1), dbSNP rs2513990338, ClinGen allele CA400734410.
Genomic context (GRCh38, chr17:67,982,275, plus strand): 5'-GGGTGCTTAATTGTTCCCTTTTTTCTATATTCTGTAGGTCTCATAACAACAAACTGCAGT[C>T]TACAGCTTCTTAAAGTTCAGCGTGTTAACCTAACATAAAACACAGCAAGAATCTGGTTGT-3'
Protein context (NP_872579.2, residues 2907-2920): ASRSHNNKLQ[Ser2917Phe]TAS

ClinVar aggregate classification (germline): Uncertain significance (1 of 4 stars; one submission).

Submission:

GeneDx
Classification: Uncertain significance. Last evaluated: 2022-09-01. Review status: criteria provided, single submitter. Criteria: GeneDx Variant Classification Process June 2021. Collection method: clinical testing. Allele origin: germline. Affected: yes.
Comment: Not observed at significant frequency in large population cohorts (gnomAD); In silico analysis supports that this missense variant has a deleterious effect on protein structure/function; Has not been previously published as pathogenic or benign to our knowledge